The following is an entry in ClinVar:

ClinVar aggregate classification (germline): Uncertain significance (1 of 4 stars; one submission).

Submission:

Women's Health and Genetics/Laboratory Corporation of America, LabCorp
Classification: Uncertain significance. Last evaluated: 2023-07-25. Review status: criteria provided, single submitter. Criteria: LabCorp Variant Classification Summary - May 2015. Collection method: clinical testing. Allele origin: germline.
Comment: Variant summary: SYT2 c.827C>T (p.Thr276Ile) results in a non-conservative amino acid change located in the C2 domain (IPR000008) of the encoded protein sequence. Three of five in-silico tools predict a benign effect of the variant on protein function. The variant was absent in 251282 control chromosomes (gnomAD). The available data on variant occurrences in the general population are insufficient to allow any conclusion about variant significance. To our knowledge, no occurrence of c.827C>T in individuals affected with Congenital Myasthenic Syndrome 7 and no experimental evidence demonstrating its impact on protein function have been reported. No submitters have cited clinical-significance assessments for this variant to ClinVar after 2014. Based on the evidence outlined above, the variant was classified as uncertain significance.

NM_177402.5(SYT2):c.827C>T (p.Thr276Ile)

Gene: SYT2 (synaptotagmin 2; minus strand). Cytogenetic location: 1q32.1.
Variant type: single nucleotide variant.
Coding change: c.827C>T on transcript NM_177402.5 (MANE Select); coding-DNA position 827, C replaced by T.
Protein change: p.Thr276Ile; replaces threonine 276 with isoleucine.
Molecular consequence: missense variant.
Genome position (GRCh38, 1-based): chr1:202,600,449, G>A on the plus strand (C>T on the coding strand, the complement: SYT2 is on the minus strand). VCF-style: chr1-202600449-G-A. GRCh37 (hg19) VCF-style: chr1-202569577-G-A.
Other names: c.827C>T, p.Thr276Ile (NM_001136504.1); short protein forms T276I.
Identifiers: ClinVar variation 2577202 (VCV002577202.1), dbSNP rs2526958313, ClinGen allele CA344257162.